The following is an entry in ClinVar:

NM_007192.4(SUPT16H):c.989T>C (p.Met330Thr)

Gene: SUPT16H (SPT16 homolog, facilitates chromatin remodeling subunit; minus strand). Cytogenetic location: 14q11.2.
Variant type: single nucleotide variant.
Coding change: c.989T>C on transcript NM_007192.4 (MANE Select); coding-DNA position 989, T replaced by C.
Protein change: p.Met330Thr; replaces methionine 330 with threonine.
Molecular consequence: missense variant.
Genome position (GRCh38, 1-based): chr14:21,366,496, A>G on the plus strand (T>C on the coding strand, the complement: SUPT16H is on the minus strand). VCF-style: chr14-21366496-A-G. GRCh37 (hg19) VCF-style: chr14-21834655-A-G.
Other names: short protein forms M330T.
Identifiers: ClinVar variation 1706772 (VCV001706772.3), dbSNP rs2501768776, ClinGen allele CA388869038.

ClinVar aggregate classification (germline): Uncertain significance (1 of 4 stars; one submission).

Allele frequency attached by ClinVar (database versions not stated): gnomAD exomes below 0.00001.
gnomAD v4.1: 5 of 1,614,148 alleles (0.00031%); highest among the groups gnomAD compares: South Asian, 0.0022%; no homozygotes.

Submission:

GeneDx
Classification: Uncertain significance. Last evaluated: 2024-03-07. Review status: criteria provided, single submitter. Criteria: GeneDx Variant Classification Process June 2021. Collection method: clinical testing. Allele origin: germline. Affected: yes.
Comment: Not observed at significant frequency in large population cohorts (gnomAD); In silico analysis supports that this missense variant does not alter protein structure/function; Has not been previously published as pathogenic or benign to our knowledge